The following is an entry in ClinVar:

ClinVar aggregate classification (germline): Benign/Likely benign. Review status: criteria provided, multiple submitters, no conflicts (2 of 4 stars). 3 submissions from 3 submitters: Benign (1); Likely benign (2). Last evaluated 2024-12-28.

Conditions:
Chromosome 2q37 deletion syndrome (BDMR). Also called: 2q37 microdeletion syndrome; Chromosome 2, monosomy 2q37; Monosomy 2q37; Deletion 2q37; ALBRIGHT HEREDITARY OSTEODYSTROPHY-LIKE SYNDROME. Identifiers: Orphanet 1001, MedGen C2931817, MONDO:0010886, OMIM 600430.
Neurodevelopmental disorder with central hypotonia and dysmorphic facies (NEDCHF). Identifiers: MedGen C5676944, MONDO:0859232, OMIM 619797.

Allele frequency attached by ClinVar (database versions not stated): TOPMed 0.00006; gnomAD 0.00010; 1000 Genomes Project 30x 0.00172; 1000 Genomes Project 0.00180.
gnomAD v4.1: 991 of 1,600,846 alleles (0.062%); highest among the groups gnomAD compares: South Asian, 0.98%; 18 homozygotes.

Submissions (3):

Labcorp Genetics (formerly Invitae), Labcorp
Classification: Benign. Last evaluated: 2024-12-28. Review status: criteria provided, single submitter. Criteria: Invitae Variant Classification Sherloc (09022015). Collection method: clinical testing. Allele origin: germline.

CeGaT Center for Human Genetics Tuebingen
Classification: Likely benign. Last evaluated: 2023-07-01. Review status: criteria provided, single submitter. Criteria: CeGaT Center For Human Genetics Tuebingen Variant Classification Criteria Version 2. Collection method: clinical testing. Allele origin: germline. Affected: yes. Observed: 1 variant allele.
Comment: HDAC4: BP4, BP7, BS2

Fulgent Genetics
Classification: Likely benign for Chromosome 2q37 deletion syndrome; Neurodevelopmental disorder with central hypotonia and dysmorphic facies. Last evaluated: 2022-03-30. Review status: criteria provided, single submitter. Criteria: ACMG Guidelines, 2015. Collection method: clinical testing. Allele origin: unknown.

NM_001378414.1(HDAC4):c.111G>A (p.Ala37=)

Gene: HDAC4 (histone deacetylase 4; minus strand). Cytogenetic location: 2q37.3.
Variant type: single nucleotide variant.
Coding change: c.111G>A on transcript NM_001378414.1 (MANE Select); coding-DNA position 111, G replaced by A.
Protein change: p.Ala37=; no amino-acid change (alanine 37 retained).
Molecular consequence: synonymous variant.
Genome position (GRCh38, 1-based): chr2:239,190,061, C>T on the plus strand (G>A on the coding strand, the complement: HDAC4 is on the minus strand). VCF-style: chr2-239190061-C-T. GRCh37 (hg19) VCF-style: chr2-240111757-C-T.
Other names: c.111G>A, p.Ala37= (NM_001378415.1, NM_001378416.1, NM_001378417.1 and 1 more transcripts).
Identifiers: ClinVar variation 774111 (VCV000774111.35), dbSNP rs540431173, ClinGen allele CA2200352.